The following is an entry in ClinVar:

NM_001242896.3(DEPDC5):c.2032G>A (p.Asp678Asn)

Gene: DEPDC5 (DEP domain containing 5, GATOR1 subcomplex subunit; plus strand). Cytogenetic location: 22q12.3.
Variant type: single nucleotide variant.
Coding change: c.2032G>A on transcript NM_001242896.3 (MANE Select); coding-DNA position 2032, G replaced by A.
Protein change: p.Asp678Asn; replaces aspartic acid 678 with asparagine.
Molecular consequence: missense variant. On other transcripts: non-coding transcript variant (4), intron variant (3).
Genome position (GRCh38, 1-based): chr22:31,822,718, G>A. VCF-style: chr22-31822718-G-A. GRCh37 (hg19) VCF-style: chr22-32218704-G-A.
Other names: c.2032G>A, p.Asp678Asn (NM_001136029.4, NM_001363852.2, NM_001364318.2 and 3 more transcripts); c.1948G>A, p.Asp650Asn (NM_001369901.1, NM_001369902.1); c.1870+3493G>A (NM_001363854.2, NM_001242897.2, NM_001364319.2); short protein forms D650N, D678N.
Identifiers: ClinVar variation 2048873 (VCV002048873.17), dbSNP rs755472604, ClinGen allele CA10196548.
Genomic context (GRCh38, chr22:31,822,718, plus strand): 5'-CATTAAGCCAGGTGGCTGGGCTCTGTTCTCTGCAGGCACAGCAATTCCCGCCAGCCTGGT[G>A]ACGGCATGTCCTTCTTGAACTTCAGTGGAACAGAGGAGCTTTCTGTCGGCCTGCTTAGCA-3'
Protein context (NP_001229825.1, residues 668-688): GRHSNSRQPG[Asp678Asn]GMSFLNFSGT

ClinVar aggregate classification (germline): Uncertain significance. Review status: criteria provided, multiple submitters, no conflicts (2 of 4 stars). 2 submissions from 2 submitters: Uncertain significance (2). Last evaluated 2025-01-01.

Conditions:
Familial focal epilepsy with variable foci (FPEVF). Identifiers: Orphanet 98820, MedGen C1858477, MONDO:0020310.

Allele frequency attached by ClinVar (database versions not stated): gnomAD exomes below 0.00001; ExAC 0.00001.
gnomAD v4.1: 2 of 1,614,168 alleles (0.00012%); highest among the groups gnomAD compares: Non-Finnish European, 0.00017%; no homozygotes.

Submissions (2):

CeGaT Center for Human Genetics Tuebingen
Classification: Uncertain significance. Last evaluated: 2025-01-01. Review status: criteria provided, single submitter. Criteria: CeGaT Center For Human Genetics Tuebingen Variant Classification Criteria Version 2. Collection method: clinical testing. Allele origin: germline. Affected: yes. Observed: 1 variant allele.
Comment: DEPDC5: PM2, PP2, BP4

Labcorp Genetics (formerly Invitae), Labcorp
Classification: Uncertain significance for Familial focal epilepsy with variable foci. Last evaluated: 2022-07-06. Review status: criteria provided, single submitter. Criteria: Invitae Variant Classification Sherloc (09022015). Collection method: clinical testing. Allele origin: germline.
Comment: In summary, the available evidence is currently insufficient to determine the role of this variant in disease. Therefore, it has been classified as a Variant of Uncertain Significance. Algorithms developed to predict the effect of sequence changes on RNA splicing suggest that this variant may disrupt the consensus splice site. Algorithms developed to predict the effect of missense changes on protein structure and function are either unavailable or do not agree on the potential impact of this missense change (SIFT: "Deleterious"; PolyPhen-2: "Not Available"; Align-GVGD: "Class C0"). This variant has not been reported in the literature in individuals affected with DEPDC5-related conditions. This variant is present in population databases (rs755472604, gnomAD 0.0009%). This sequence change replaces aspartic acid, which is acidic and polar, with asparagine, which is neutral and polar, at codon 678 of the DEPDC5 protein (p.Asp678Asn).